The following is an entry in ClinVar:

NM_003458.4(BSN):c.4083C>T (p.Ala1361=)

Gene: BSN (bassoon presynaptic cytomatrix protein; plus strand). Cytogenetic location: 3p21.31.
Variant type: single nucleotide variant.
Coding change: c.4083C>T on transcript NM_003458.4 (MANE Select); coding-DNA position 4083, C replaced by T.
Protein change: p.Ala1361=; no amino-acid change (alanine 1361 retained).
Molecular consequence: synonymous variant.
Genome position (GRCh38, 1-based): chr3:49,653,639, C>T. VCF-style: chr3-49653639-C-T. GRCh37 (hg19) VCF-style: chr3-49691072-C-T.
Identifiers: ClinVar variation 3053622 (VCV003053622.2), dbSNP rs199816785, ClinGen allele CA2400071.
Genomic context (GRCh38, chr3:49,653,639, plus strand): 5'-TGTCACTCAGCATTTTGCAAAGGAGACTCAGGACCCCCTCAAGCTGCACAGCTCTCCTGC[C>T]TCCCCCAGCTCAGCCTCCAAGGAGATAGGCATGCCCTTTTCCCAGGGCCCTGGGACCCCA-3'
Protein context (NP_003449.2, residues 1351-1371): QDPLKLHSSP[Ala1361=]SPSSASKEIG

ClinVar aggregate classification (germline): Likely benign (0 of 4 stars; one submission).

Conditions:
BSN-related disorder. Also called: BSN-related condition.

Allele frequency attached by ClinVar (database versions not stated): TOPMed 0.00004; ESP Exome Variant Server 0.00008; gnomAD 0.00015; 1000 Genomes Project 30x 0.00016; 1000 Genomes Project 0.00020; ExAC 0.00032.
gnomAD v4.1: 317 of 1,613,818 alleles (0.02%); highest among the groups gnomAD compares: South Asian, 0.25%; 1 homozygote.

Submission:

PreventionGenetics, part of Exact Sciences
Classification: Likely benign for BSN-related condition. Last evaluated: 2019-08-21. Review status: no assertion criteria provided. Collection method: clinical testing. Allele origin: germline.
Comment: This variant is classified as likely benign based on ACMG/AMP sequence variant interpretation guidelines (Richards et al. 2015 PMID: 25741868, with internal and published modifications).